The following is an entry in ClinVar:

NM_001195263.2(PDZD7):c.1949T>C (p.Leu650Ser)

Gene: PDZD7 (PDZ domain containing 7; minus strand). Cytogenetic location: 10q24.31.
Variant type: single nucleotide variant.
Coding change: c.1949T>C on transcript NM_001195263.2 (MANE Select); coding-DNA position 1949, T replaced by C.
Protein change: p.Leu650Ser; replaces leucine 650 with serine.
Molecular consequence: missense variant.
Genome position (GRCh38, 1-based): chr10:101,011,746, A>G on the plus strand (T>C on the coding strand, the complement: PDZD7 is on the minus strand). VCF-style: chr10-101011746-A-G. GRCh37 (hg19) VCF-style: chr10-102771503-A-G.
Other names: short protein forms L650S.
Identifiers: ClinVar variation 1008020 (VCV001008020.10), dbSNP rs1170576262, ClinGen allele CA378226051.

ClinVar aggregate classification (germline): Uncertain significance (1 of 4 stars; one submission).

Allele frequency attached by ClinVar (database versions not stated): gnomAD 0.00001; TOPMed 0.00001.
gnomAD v4.1: 1 of 1,548,386 alleles (0.000065%); highest among the groups gnomAD compares: African/African-American, 0.0014%; no homozygotes.

Submission:

Labcorp Genetics (formerly Invitae), Labcorp
Classification: Uncertain significance. Last evaluated: 2025-08-11. Review status: criteria provided, single submitter. Criteria: Invitae Variant Classification Sherloc (09022015). Collection method: clinical testing. Allele origin: germline.
Comment: This sequence change replaces leucine, which is neutral and non-polar, with serine, which is neutral and polar, at codon 650 of the PDZD7 protein (p.Leu650Ser). This variant is not present in population databases (gnomAD no frequency). This variant has not been reported in the literature in individuals affected with PDZD7-related conditions. ClinVar contains an entry for this variant (Variation ID: 1008020). Invitae Evidence Modeling of protein sequence and biophysical properties (such as structural, functional, and spatial information, amino acid conservation, physicochemical variation, residue mobility, and thermodynamic stability) indicates that this missense variant is not expected to disrupt PDZD7 protein function with a negative predictive value of 80%. In summary, the available evidence is currently insufficient to determine the role of this variant in disease. Therefore, it has been classified as a Variant of Uncertain Significance.